The following is an entry in ClinVar:

ClinVar aggregate classification (germline): Uncertain significance. Review status: criteria provided, multiple submitters, no conflicts (2 of 4 stars). 7 submissions from 7 submitters: Uncertain significance (7). Last evaluated 2025-04-12.

Conditions:
Inborn genetic diseases. Identifiers: MedGen C0950123, MeSH D030342.
Acyl-CoA dehydrogenase 9 deficiency. Also called: Acyl-CoA dehydrogenase family, member 9, deficiency of; MITOCHONDRIAL COMPLEX I DEFICIENCY, NUCLEAR TYPE 20. Identifiers: Orphanet 99901, MedGen C4747517, MONDO:0012624, OMIM 611126.

Allele frequency attached by ClinVar (database versions not stated): gnomAD exomes 0.00005 and 0.00009; TOPMed 0.00005; ExAC 0.00006; gnomAD 0.00007.
gnomAD v4.1: 86 of 1,613,004 alleles (0.0053%); highest among the groups gnomAD compares: Middle Eastern, 0.016%; no homozygotes.

Submissions (7):

Ambry Genetics
Classification: Uncertain significance for Inborn genetic diseases. Last evaluated: 2025-04-12. Review status: criteria provided, single submitter. Criteria: Ambry Variant Classification Scheme 2023. Collection method: clinical testing. Allele origin: germline.

Labcorp Genetics (formerly Invitae), Labcorp
Classification: Uncertain significance. Last evaluated: 2024-11-25. Review status: criteria provided, single submitter. Criteria: Invitae Variant Classification Sherloc (09022015). Collection method: clinical testing. Allele origin: germline.
Comment: This sequence change replaces serine, which is neutral and polar, with arginine, which is basic and polar, at codon 185 of the ACAD9 protein (p.Ser185Arg). This variant is present in population databases (rs781738719, gnomAD 0.02%). This variant has not been reported in the literature in individuals affected with ACAD9-related conditions. ClinVar contains an entry for this variant (Variation ID: 343194). An algorithm developed to predict the effect of missense changes on protein structure and function (PolyPhen-2) suggests that this variant is likely to be disruptive. In summary, the available evidence is currently insufficient to determine the role of this variant in disease. Therefore, it has been classified as a Variant of Uncertain Significance.

Blueprint Genetics
Classification: Uncertain significance. Last evaluated: 2024-10-23. Review status: criteria provided, single submitter. Criteria: ACMG Guidelines, 2015. Collection method: clinical testing. Allele origin: germline.

Mayo Clinic Laboratories, Mayo Clinic
Classification: Uncertain significance. Last evaluated: 2024-02-26. Review status: criteria provided, single submitter. Criteria: ACMG Guidelines, 2015. Collection method: clinical testing. Allele origin: germline. Observed: 1 variant allele.
Comment: PP3

GeneDx
Classification: Uncertain significance. Last evaluated: 2022-04-04. Review status: criteria provided, single submitter. Criteria: GeneDx Variant Classification Process June 2021. Collection method: clinical testing. Allele origin: germline. Affected: yes.
Comment: In silico analysis supports that this missense variant has a deleterious effect on protein structure/function; Has not been previously published as pathogenic or benign to our knowledge

Illumina Laboratory Services, Illumina
Classification: Uncertain significance for Acyl-CoA dehydrogenase 9 deficiency. Last evaluated: 2018-01-13. Review status: criteria provided, single submitter. Criteria: ICSL Variant Classification Criteria 13 December 2019. Collection method: clinical testing. Allele origin: germline.

Breakthrough Genomics
Classification: Uncertain significance. Review status: criteria provided, single submitter. Criteria: ACMG Guidelines, 2015. Collection method: not provided. Allele origin: germline. Inheritance: Autosomal recessive inheritance. Affected: yes.

NM_014049.5(ACAD9):c.555T>G (p.Ser185Arg)

Gene: ACAD9 (acyl-CoA dehydrogenase family member 9; plus strand). Cytogenetic location: 3q21.3.
Variant type: single nucleotide variant.
Coding change: c.555T>G on transcript NM_014049.5 (MANE Select); coding-DNA position 555, T replaced by G.
Protein change: p.Ser185Arg; replaces serine 185 with arginine.
Molecular consequence: missense variant. On other transcripts: non-coding transcript variant (1).
Genome position (GRCh38, 1-based): chr3:128,897,632, T>G. VCF-style: chr3-128897632-T-G. GRCh37 (hg19) VCF-style: chr3-128616475-T-G.
Other names: p.Ser185Arg; short protein forms S185R.
Identifiers: ClinVar variation 343194 (VCV000343194.13), dbSNP rs781738719, ClinGen allele CA2601190.
Genomic context (GRCh38, chr3:128,897,632, plus strand): 5'-CAAAAGCATTCATATTTATTCCCAGTATTCTCCCTTGACCACATCTTTCTGCATCTGCAG[T>G]GGGAGCGATGCAGCCTCAATCCGGAGCAGAGCCACACTAAGTGAAGACAAGAAGCACTAC-3'
Protein context (NP_054768.2, residues 175-195): IAAFCLTEPA[Ser185Arg]GSDAASIRSR